The following is an entry in ClinVar:

ClinVar aggregate classification (germline): Conflicting classifications of pathogenicity. Review status: criteria provided, conflicting classifications (1 of 4 stars). 7 submissions from 7 submitters: Uncertain significance (3); Likely benign (4). Last evaluated 2026-09-08.

Conditions:
OTOF-related disorder. Also called: OTOF-related condition.
Inborn genetic diseases. Identifiers: MedGen C0950123, MeSH D030342.
Autosomal recessive nonsyndromic hearing loss 9. Also called: Deafness, autosomal recessive 9; NEUROSENSORY NONSYNDROMIC RECESSIVE DEAFNESS 9; AUDITORY NEUROPATHY, AUTOSOMAL RECESSIVE, 1, TEMPERATURE-SENSITIVE; OTOF-Related Hearing Loss. Identifiers: Orphanet 90636, MedGen C1832828, MONDO:0010986, OMIM 601071.

Allele frequency attached by ClinVar (database versions not stated): ESP Exome Variant Server 0.00015; gnomAD 0.00036; TOPMed 0.00066; 1000 Genomes Project 30x 0.00094; 1000 Genomes Project 0.00100.
gnomAD v4.1: 496 of 1,613,046 alleles (0.031%); highest among the groups gnomAD compares: Admixed American, 0.27%; 1 homozygote.

Submissions (7):

GeneDx
Classification: Uncertain significance. Last evaluated: 2026-09-08. Review status: criteria provided, single submitter. Criteria: GeneDx Variant Classification Process June 2021. Collection method: clinical testing. Allele origin: germline.
Comment: Observed in the heterozygous state in a patient with prelingual sensorineural hearing loss and no second OTOF variant was detected (Morales-Angulo C et al. (2024) International Journal of Pediatric Otorhinolaryngology. 186); In silico analysis supports that this missense variant has a deleterious effect on protein structure/function; This variant is associated with the following publications: (PMID: Morales-Angulo2024[CaseReport], 40069133)

Labcorp Genetics (formerly Invitae), Labcorp
Classification: Likely benign. Last evaluated: 2026-02-03. Review status: criteria provided, single submitter. Criteria: Invitae Variant Classification Sherloc (09022015). Collection method: clinical testing. Allele origin: germline.

PreventionGenetics, part of Exact Sciences
Classification: Likely benign for OTOF-related condition. Last evaluated: 2024-11-27. Review status: criteria provided, single submitter. Criteria: ACMG Guidelines, 2015. Collection method: clinical testing. Allele origin: germline.
Comment: This variant is classified as likely benign based on ACMG/AMP sequence variant interpretation guidelines (Richards et al. 2015 PMID: 25741868, with internal and published modifications).

Blueprint Genetics
Classification: Likely benign. Last evaluated: 2024-10-24. Review status: criteria provided, single submitter. Criteria: ACMG Guidelines, 2015. Collection method: clinical testing. Allele origin: germline.

Ambry Genetics
Classification: Uncertain significance for Inborn genetic diseases. Last evaluated: 2021-10-06. Review status: criteria provided, single submitter. Criteria: Ambry Variant Classification Scheme 2023. Collection method: clinical testing. Allele origin: germline.

Illumina Laboratory Services, Illumina
Classification: Uncertain significance for Autosomal recessive nonsyndromic hearing loss 9. Last evaluated: 2018-01-13. Review status: criteria provided, single submitter. Criteria: ICSL Variant Classification Criteria 13 December 2019. Collection method: clinical testing. Allele origin: germline.

Laboratory for Molecular Medicine, Mass General Brigham Personalized Medicine
Classification: Likely benign. Last evaluated: 2017-06-26. Review status: criteria provided, single submitter. Criteria: LMM Criteria. Collection method: clinical testing. Allele origin: germline. Observed: 2 variant alleles.
Comment: p.Thr547Met in exon 15 of OTOF: This variant is not expected to have clinical si gnificance because it has been identified in 0.3% (95/34410) of Latino chromosom es by Genome Aggregation Database (gnomAD; dbS NP rs200191563).

NM_194248.3(OTOF):c.1640C>T (p.Thr547Met)

Gene: OTOF (otoferlin; minus strand). Cytogenetic location: 2p23.3.
Variant type: single nucleotide variant.
Coding change: c.1640C>T on transcript NM_194248.3 (MANE Select); coding-DNA position 1640, C replaced by T.
Protein change: p.Thr547Met; replaces threonine 547 with methionine.
Molecular consequence: missense variant.
Genome position (GRCh38, 1-based): chr2:26,480,949, G>A on the plus strand (C>T on the coding strand, the complement: OTOF is on the minus strand). VCF-style: chr2-26480949-G-A. GRCh37 (hg19) VCF-style: chr2-26703817-G-A.
Other names: c.1640C>T, p.Thr547Met (NM_001287489.2); short protein forms T547M.
Identifiers: ClinVar variation 335450 (VCV000335450.30), dbSNP rs200191563, ClinGen allele CA1564206.